The following is an entry in ClinVar:

NM_001374736.1(DST):c.12885G>C (p.Arg4295Ser)

Gene: DST (dystonin; minus strand). Cytogenetic location: 6p12.1.
Variant type: single nucleotide variant.
Coding change: c.12885G>C on transcript NM_001374736.1 (MANE Select); coding-DNA position 12885, G replaced by C.
Protein change: p.Arg4295Ser; replaces arginine 4295 with serine.
Molecular consequence: missense variant.
Genome position (GRCh38, 1-based): chr6:56,592,200, C>G on the plus strand (G>C on the coding strand, the complement: DST is on the minus strand). VCF-style: chr6-56592200-C-G. GRCh37 (hg19) VCF-style: chr6-56456998-C-G.
Other names: c.6528G>C, p.Arg2176Ser (NM_001144769.5); c.6114G>C, p.Arg2038Ser (NM_001144770.2); c.12885G>C, p.Arg4295Ser (NM_001374722.1); c.12252G>C, p.Arg4084Ser (NM_001374729.1); c.5994G>C, p.Arg1998Ser (NM_001374730.1, NM_001386100.1, NM_183380.4); c.12912G>C, p.Arg4304Ser (NM_001374734.1); c.5016G>C, p.Arg1672Ser (NM_015548.5); short protein forms R1672S, R1998S, R2038S, R2176S, R4084S, R4295S, R4304S.
Identifiers: ClinVar variation 1006224 (VCV001006224.7), dbSNP rs2098289303, ClinGen allele CA364524275.

ClinVar aggregate classification (germline): Uncertain significance (1 of 4 stars; one submission).

Conditions:
Hereditary sensory and autonomic neuropathy type 6. Also called: HSAN VI; Neuropathy, hereditary sensory and autonomic, type VI. Identifiers: Orphanet 314381, MedGen C3539003, MONDO:0013839, OMIM 614653.
Epidermolysis bullosa simplex 3, localized or generalized intermediate, with BP230 deficiency (EBS3). Also called: Epidermolysis bullosa simplex due to BP230 deficiency; Epidermolysis bullosa simplex, autosomal recessive 2. Identifiers: Orphanet 412181, MedGen C3809470, MONDO:0014180, OMIM 615425.

Submission:

Labcorp Genetics (formerly Invitae), Labcorp
Classification: Uncertain significance for Epidermolysis bullosa simplex 3, localized or generalized intermediate, with BP230 deficiency; Hereditary sensory and autonomic neuropathy type 6. Last evaluated: 2020-05-11. Review status: criteria provided, single submitter. Criteria: Invitae Variant Classification Sherloc (09022015). Collection method: clinical testing. Allele origin: germline.
Comment: This sequence change replaces arginine with serine at codon 1672 of the DST protein (p.Arg1672Ser). The arginine residue is moderately conserved and there is a moderate physicochemical difference between the two amino acids. The DST gene has multiple clinically relevant transcripts. This variant occurs in alternate transcript NM_015548.4, and corresponds to NM_001723.5:c.*23317G>C in the primary transcript. This variant is not present in population databases (ExAC no frequency). This variant has not been reported in the literature in individuals with DST-related conditions. Experimental studies and prediction algorithms are not available or were not evaluated, and the functional significance of this variant is currently unknown. In summary, the available evidence is currently insufficient to determine the role of this variant in disease. Therefore, it has been classified as a Variant of Uncertain Significance.